The following is an entry in ClinVar:

NM_004817.4(TJP2):c.1265A>G (p.Gln422Arg)

Gene: TJP2 (tight junction protein 2; plus strand). Cytogenetic location: 9q21.11.
Variant type: single nucleotide variant.
Coding change: c.1265A>G on transcript NM_004817.4 (MANE Select); coding-DNA position 1265, A replaced by G.
Protein change: p.Gln422Arg; replaces glutamine 422 with arginine.
Molecular consequence: missense variant.
Genome position (GRCh38, 1-based): chr9:69,227,819, A>G. VCF-style: chr9-69227819-A-G. GRCh37 (hg19) VCF-style: chr9-71842735-A-G.
Other names: p.Gln422Arg; c.1196A>G, p.Gln399Arg (NM_001170414.2, NM_001369870.1, NM_001369871.1); c.1277A>G, p.Gln426Arg (NM_001170415.1, NM_001369874.1, NM_001369875.1); c.1358A>G, p.Gln453Arg (NM_001170416.2); c.1265A>G, p.Gln422Arg (NM_001369872.1, NM_001369873.1, NM_201629.3); short protein forms Q399R, Q422R, Q426R, Q453R.
Identifiers: ClinVar variation 1314200 (VCV001314200.10), dbSNP rs144928091, ClinGen allele CA5073248.

ClinVar aggregate classification (germline): Uncertain significance. Review status: criteria provided, multiple submitters, no conflicts (2 of 4 stars). 4 submissions from 4 submitters: Uncertain significance (4). Last evaluated 2025-08-02.

Conditions:
Inborn genetic diseases. Identifiers: MedGen C0950123, MeSH D030342.

Allele frequency attached by ClinVar (database versions not stated): 1000 Genomes Project 0.00020; ExAC 0.00002; ESP Exome Variant Server 0.00015; 1000 Genomes Project 30x 0.00016; TOPMed 0.00018.
gnomAD v4.1: 33 of 1,614,086 alleles (0.002%); highest among the groups gnomAD compares: African/African-American, 0.033%; no homozygotes.

Submissions (4):

Mayo Clinic Laboratories, Mayo Clinic
Classification: Uncertain significance. Last evaluated: 2025-08-02. Review status: criteria provided, single submitter. Criteria: ACMG Guidelines, 2015. Collection method: clinical testing. Allele origin: germline. Observed: 1 variant allele.
Comment: BP4_strong, PM2_supporting

Labcorp Genetics (formerly Invitae), Labcorp
Classification: Uncertain significance. Last evaluated: 2024-12-02. Review status: criteria provided, single submitter. Criteria: Invitae Variant Classification Sherloc (09022015). Collection method: clinical testing. Allele origin: germline.
Comment: This sequence change replaces glutamine, which is neutral and polar, with arginine, which is basic and polar, at codon 422 of the TJP2 protein (p.Gln422Arg). This variant is present in population databases (rs144928091, gnomAD 0.03%). This variant has not been reported in the literature in individuals affected with TJP2-related conditions. ClinVar contains an entry for this variant (Variation ID: 1314200). An algorithm developed to predict the effect of missense changes on protein structure and function (PolyPhen-2) suggests that this variant is likely to be tolerated. In summary, the available evidence is currently insufficient to determine the role of this variant in disease. Therefore, it has been classified as a Variant of Uncertain Significance.

Ambry Genetics
Classification: Uncertain significance for Inborn genetic diseases. Last evaluated: 2024-10-09. Review status: criteria provided, single submitter. Criteria: Ambry Variant Classification Scheme 2023. Collection method: clinical testing. Allele origin: germline.

GeneDx
Classification: Uncertain significance. Last evaluated: 2021-03-17. Review status: criteria provided, single submitter. Criteria: GeneDx Variant Classification Process June 2021. Collection method: clinical testing. Allele origin: germline. Affected: yes.
Comment: In silico analysis supports that this missense variant does not alter protein structure/function; Has not been previously published as pathogenic or benign to our knowledge